The following is an entry in ClinVar:

NM_020937.4(FANCM):c.576G>C (p.Gln192His)

Gene: FANCM (FA complementation group M; plus strand). Cytogenetic location: 14q21.2.
Variant type: single nucleotide variant.
Coding change: c.576G>C on transcript NM_020937.4 (MANE Select); coding-DNA position 576, G replaced by C.
Protein change: p.Gln192His; replaces glutamine 192 with histidine.
Molecular consequence: missense variant.
Genome position (GRCh38, 1-based): chr14:45,137,136, G>C. VCF-style: chr14-45137136-G-C. GRCh37 (hg19) VCF-style: chr14-45606339-G-C.
Other names: c.576G>C, p.Gln192His (NM_001308133.2, NM_001308134.2); short protein forms Q192H.
Identifiers: ClinVar variation 4254717 (VCV004254717.1).

ClinVar aggregate classification (germline): Uncertain significance (1 of 4 stars; one submission).

Conditions:
Inborn genetic diseases. Identifiers: MedGen C0950123, MeSH D030342.

Submission:

Ambry Genetics
Classification: Uncertain significance for Inborn genetic diseases. Last evaluated: 2025-08-29. Review status: criteria provided, single submitter. Criteria: Ambry Variant Classification Scheme 2023. Collection method: clinical testing. Allele origin: germline.
Comment: The p.Q192H variant (also known as c.576G>C), located in coding exon 2 of the FANCM gene, results from a G to C substitution at nucleotide position 576. The glutamine at codon 192 is replaced by histidine, an amino acid with highly similar properties. This amino acid position is conserved. In addition, this alteration is predicted to be tolerated by in silico analysis. Based on the available evidence, the clinical significance of this variant remains unclear.